The following is an entry in ClinVar:

ClinVar aggregate classification (germline): Uncertain significance. Review status: criteria provided, multiple submitters, no conflicts (2 of 4 stars). 2 submissions from 2 submitters: Uncertain significance (2). Last evaluated 2025-07-09.

Conditions:
Hereditary cancer-predisposing syndrome. Also called: Hereditary Cancer Syndrome; Hereditary neoplastic syndrome; Tumor predisposition; Neoplastic Syndromes, Hereditary. Identifiers: Orphanet 140162, MedGen C0027672, MeSH D009386, MONDO:0015356.

Allele frequency attached by ClinVar (database versions not stated): gnomAD exomes below 0.00001.
gnomAD v4.1: 3 of 1,611,058 alleles (0.00019%); highest among the groups gnomAD compares: Non-Finnish European, 0.00025%; no homozygotes.

Submissions (2):

Labcorp Genetics (formerly Invitae), Labcorp
Classification: Uncertain significance. Last evaluated: 2025-07-09. Review status: criteria provided, single submitter. Criteria: Invitae Variant Classification Sherloc (09022015). Collection method: clinical testing. Allele origin: germline.
Comment: This sequence change affects a donor splice site in intron 32 of the POLE gene. RNA analysis indicates that disruption of this splice site induces altered splicing and likely results in a shortened protein product. This variant is present in population databases (no rsID available, gnomAD 0.0009%). This variant has not been reported in the literature in individuals affected with POLE-related conditions. ClinVar contains an entry for this variant (Variation ID: 843727). Studies have shown that disruption of this splice site results in skipping of skipping of exon 32, but is expected to preserve the integrity of the reading-frame (internal data). In summary, the available evidence is currently insufficient to determine the role of this variant in disease. Therefore, it has been classified as a Variant of Uncertain Significance.

Ambry Genetics
Classification: Uncertain significance for Hereditary cancer-predisposing syndrome. Last evaluated: 2025-03-07. Review status: criteria provided, single submitter. Criteria: Ambry Variant Classification Scheme 2023. Collection method: clinical testing. Allele origin: germline.
Comment: The c.4149+1G>A intronic variant results from a G to A substitution one nucleotide after coding exon 32 of the POLE gene. Alterations that disrupt the canonical splice site are expected to result in aberrant splicing. In silico splice site analysis predicts that this alteration will weaken the native splice donor site. The resulting transcript is predicted to be in-frame and is not expected to trigger nonsense-mediated mRNAdecay; although, direct evidence is unavailable. This nucleotide position is highly conserved in available vertebrate species. Based on the available evidence, the clinical significance of this variant remains unclear.

NM_006231.4(POLE):c.4149+1G>A

Gene: POLE (DNA polymerase epsilon, catalytic subunit; minus strand). Cytogenetic location: 12q24.33.
Variant type: single nucleotide variant.
Coding change: c.4149+1G>A on transcript NM_006231.4 (MANE Select); the canonical splice donor site of the intron after coding-DNA position 4149, G replaced by A.
Molecular consequence: splice donor variant.
Genome position (GRCh38, 1-based): chr12:132,648,928, C>T on the plus strand (G>A on the coding strand, the complement: POLE is on the minus strand). VCF-style: chr12-132648928-C-T. GRCh37 (hg19) VCF-style: chr12-133225514-C-T.
Other names: c.4149+1G>A (NM_006231.2).
Identifiers: ClinVar variation 843727 (VCV000843727.11), dbSNP rs1212936945, ClinGen allele CA387383559.